The following is an entry in ClinVar:

NM_004086.3(COCH):c.212C>T (p.Ser71Leu)

Genes: COCH (cochlin; plus strand), COCH-AS1 (COCH antisense RNA 1; minus strand). Cytogenetic location: 14q12.
Variant type: single nucleotide variant.
Coding change: c.212C>T on transcript NM_004086.3 (MANE Select); coding-DNA position 212, C replaced by T.
Protein change: p.Ser71Leu; replaces serine 71 with leucine.
Molecular consequence: missense variant.
Genome position (GRCh38, 1-based): chr14:30,877,701, C>T. VCF-style: chr14-30877701-C-T. GRCh37 (hg19) VCF-style: chr14-31346907-C-T.
Other names: c.212C>T, p.Ser71Leu (NM_001135058.2); c.407C>T, p.Ser136Leu (NM_001347720.2); short protein forms S136L, S71L.
Identifiers: ClinVar variation 1211221 (VCV001211221.5), dbSNP rs781725849, ClinGen allele CA7142955.
Genomic context (GRCh38, chr14:30,877,701, plus strand): 5'-CAGGGGGCTGCCCTCTTGAGGAATTCTCTGTGTATGGGAACATAGTATATGCTTCTGTAT[C>T]GAGCATATGTGGGGCTGCTGTCCACAGGTAAGCCCAAACACACCAGGGTGGGAGAGAAAT-3'
Protein context (NP_004077.1, residues 61-81): VYGNIVYASV[Ser71Leu]SICGAAVHRG

ClinVar aggregate classification (germline): Uncertain significance. Review status: criteria provided, multiple submitters, no conflicts (2 of 4 stars). 3 submissions from 3 submitters: Uncertain significance (3). Last evaluated 2022-07-07.

Allele frequency attached by ClinVar (database versions not stated): gnomAD 0.00005 and 0.00007; gnomAD exomes 0.00008 and 0.00016; TOPMed 0.00009; ExAC 0.00012.
gnomAD v4.1: 121 of 1,614,064 alleles (0.0075%); highest among the groups gnomAD compares: South Asian, 0.066%; 1 homozygote.

Submissions (3):

Blueprint Genetics
Classification: Uncertain significance. Last evaluated: 2022-07-07. Review status: criteria provided, single submitter. Criteria: ACMG Guidelines, 2015. Collection method: clinical testing. Allele origin: germline.

Clinical Genetics Laboratory, Skane University Hospital Lund
Classification: Uncertain significance. Last evaluated: 2022-05-27. Review status: criteria provided, single submitter. Criteria: ACMG Guidelines, 2015. Collection method: clinical testing. Allele origin: germline. Affected: yes.

GeneDx
Classification: Uncertain significance. Last evaluated: 2019-04-01. Review status: criteria provided, single submitter. Criteria: GeneDx Variant Classification Process June 2021. Collection method: clinical testing. Allele origin: germline. Affected: yes.
Comment: In silico analysis, which includes protein predictors and evolutionary conservation, supports a deleterious effect; Has not been previously published as pathogenic or benign to our knowledge